The following is an entry in ClinVar:

NM_145045.5(ODAD3):c.511G>A (p.Val171Met)

Gene: ODAD3 (outer dynein arm docking complex subunit 3; minus strand). Cytogenetic location: 19p13.2.
Variant type: single nucleotide variant.
Coding change: c.511G>A on transcript NM_145045.5 (MANE Select); coding-DNA position 511, G replaced by A.
Protein change: p.Val171Met; replaces valine 171 with methionine.
Molecular consequence: missense variant.
Genome position (GRCh38, 1-based): chr19:11,426,974, C>T on the plus strand (G>A on the coding strand, the complement: ODAD3 is on the minus strand). VCF-style: chr19-11426974-C-T. GRCh37 (hg19) VCF-style: chr19-11537794-C-T.
Other names: c.349G>A, p.Val117Met (NM_001302453.1); c.433G>A, p.Val145Met (NM_001302454.2); short protein forms V171M, V117M, V145M.
Identifiers: ClinVar variation 850637 (VCV000850637.9), dbSNP rs1275437874, ClinGen allele CA404125216.
Genomic context (GRCh38, chr19:11,426,974, plus strand): 5'-CCAGAAGGCGCAGGCTGTGCTGCAGCTGGAGCTCCTCCAGCCGCCTCTGCCGCAACACCA[C>T]CTGGTGCCGCAGGGCGTTCTGCTGCTTCACCTTCTCCCTCAGCCGGTGGTCTAGGTGCTC-3'
Protein context (NP_659482.3, residues 161-181): VKQQNALRHQ[Val171Met]VLRQRRLEEL

ClinVar aggregate classification (germline): Uncertain significance (1 of 4 stars; one submission).

Conditions:
Primary ciliary dyskinesia 30. Also called: CILIARY DYSKINESIA, PRIMARY, 30, WITH OR WITHOUT SITUS INVERSUS. Identifiers: Orphanet 244, MedGen C4015016, MONDO:0014465, OMIM 616037.

Allele frequency attached by ClinVar (database versions not stated): gnomAD exomes below 0.00001 and 0.00001.

Submission:

Labcorp Genetics (formerly Invitae), Labcorp
Classification: Uncertain significance for Primary ciliary dyskinesia 30. Last evaluated: 2019-01-28. Review status: criteria provided, single submitter. Criteria: Invitae Variant Classification Sherloc (09022015). Collection method: clinical testing. Allele origin: germline.
Comment: This sequence change replaces valine with methionine at codon 171 of the CCDC151 protein (p.Val171Met). The valine residue is moderately conserved and there is a small physicochemical difference between valine and methionine. This variant is not present in population databases (ExAC no frequency). This variant has not been reported in the literature in individuals with CCDC151-related conditions. Algorithms developed to predict the effect of missense changes on protein structure and function (SIFT, PolyPhen-2, Align-GVGD) all suggest that this variant is likely to be tolerated, but these predictions have not been confirmed by published functional studies and their clinical significance is uncertain. In summary, the available evidence is currently insufficient to determine the role of this variant in disease. Therefore, it has been classified as a Variant of Uncertain Significance.